The following is an entry in ClinVar:

ClinVar aggregate classification (germline): Conflicting classifications of pathogenicity. Review status: criteria provided, conflicting classifications (1 of 4 stars). 2 submissions from 2 submitters: Likely pathogenic (1); Uncertain significance (1). Last evaluated 2025-12-15.

Conditions:
Wilson disease (WND). Also called: Wilson's disease. Identifiers: Orphanet 905, MedGen C0019202, MONDO:0010200, OMIM 277900. Disease mechanism: loss of function.

gnomAD v4.1: 1 of 1,614,236 alleles (0.000062%); highest among the groups gnomAD compares: East Asian, 0.0022%; no homozygotes.

Submissions (2):

Labcorp Genetics (formerly Invitae), Labcorp
Classification: Uncertain significance for Wilson disease. Last evaluated: 2025-12-15. Review status: criteria provided, single submitter. Criteria: Invitae Variant Classification Sherloc (09022015). Collection method: clinical testing. Allele origin: germline.
Comment: This sequence change replaces leucine, which is neutral and non-polar, with proline, which is neutral and non-polar, at codon 902 of the ATP7B protein (p.Leu902Pro). This variant is not present in population databases (gnomAD no frequency). This missense change has been observed in individual(s) with Wilson disease (PMID: 35220961, 35782615). ClinVar contains an entry for this variant (Variation ID: 3576297). Invitae Evidence Modeling of protein sequence and biophysical properties (such as structural, functional, and spatial information, amino acid conservation, physicochemical variation, residue mobility, and thermodynamic stability) indicates that this missense variant is expected to disrupt ATP7B protein function with a positive predictive value of 80%. In summary, the available evidence is currently insufficient to determine the role of this variant in disease. Therefore, it has been classified as a Variant of Uncertain Significance.

Fulgent Genetics
Classification: Likely pathogenic for Wilson disease. Last evaluated: 2023-12-29. Review status: criteria provided, single submitter. Criteria: ACMG Guidelines, 2015. Collection method: clinical testing. Allele origin: germline.

Literature cited by the submitters: PubMed 35220961 (cited by Labcorp Genetics (formerly Invitae), Labcorp); PubMed 35782615 (cited by Labcorp Genetics (formerly Invitae), Labcorp).

NM_000053.4(ATP7B):c.2705T>C (p.Leu902Pro)

Gene: ATP7B (ATPase copper transporting beta; minus strand). Cytogenetic location: 13q14.3.
Variant type: single nucleotide variant.
Coding change: c.2705T>C on transcript NM_000053.4 (MANE Select); coding-DNA position 2705, T replaced by C.
Protein change: p.Leu902Pro; replaces leucine 902 with proline.
Molecular consequence: missense variant.
Genome position (GRCh38, 1-based): chr13:51,950,032, A>G on the plus strand (T>C on the coding strand, the complement: ATP7B is on the minus strand). VCF-style: chr13-51950032-A-G. GRCh37 (hg19) VCF-style: chr13-52524168-A-G.
Other names: c.1415T>C, p.Leu472Pro (NM_001406548.1); c.2471T>C, p.Leu824Pro (NM_001330578.2, NM_001406538.1, NM_001406527.1 and 2 more transcripts); c.2453T>C, p.Leu818Pro (NM_001330579.2, NM_001406540.1, NM_001406531.1 and 1 more transcripts); c.2705T>C, p.Leu902Pro (NM_001406511.1, NM_001406512.1, NM_001406513.1 and 7 more transcripts); c.2672T>C, p.Leu891Pro (NM_001406514.1); c.2219T>C, p.Leu740Pro (NM_001005918.3, NM_001406541.1, NM_001406542.1 and 1 more transcripts); c.2372T>C, p.Leu791Pro (NM_001243182.2); c.2609T>C, p.Leu870Pro (NM_001406517.1, NM_001406518.1); and 8 more; short protein forms L472P, L740P, L791P, L843P, L854P, L759P, L792P, L822P.
Identifiers: ClinVar variation 3576297 (VCV003576297.2).